The following is an entry in ClinVar:

NM_031907.3(USP26):c.885C>T (p.His295=)

Gene: USP26 (ubiquitin specific peptidase 26; minus strand). Cytogenetic location: Xq26.2.
Variant type: single nucleotide variant.
Coding change: c.885C>T on transcript NM_031907.3 (MANE Select); coding-DNA position 885, C replaced by T.
Protein change: p.His295=; no amino-acid change (histidine 295 retained).
Molecular consequence: synonymous variant.
Genome position (GRCh38, 1-based): chrX:133,027,336, G>A on the plus strand (C>T on the coding strand, the complement: USP26 is on the minus strand). VCF-style: chrX-133027336-G-A. GRCh37 (hg19) VCF-style: chrX-132161364-G-A.
Identifiers: ClinVar variation 3053273 (VCV003053273.2), dbSNP rs371221237, ClinGen allele CA10519955.

ClinVar aggregate classification (germline): Likely benign (0 of 4 stars; one submission).

Conditions:
USP26-related disorder. Also called: USP26-related condition.

Allele frequency attached by ClinVar (database versions not stated): gnomAD 0.00002; gnomAD exomes 0.00003; TOPMed 0.00007; ESP Exome Variant Server 0.00009; ExAC 0.00011.
gnomAD v4.1: 42 of 1,208,074 alleles (0.0035%); highest among the groups gnomAD compares: Admixed American, 0.044%; 1 homozygote.

Submission:

PreventionGenetics, part of Exact Sciences
Classification: Likely benign for USP26-related condition. Last evaluated: 2019-09-06. Review status: no assertion criteria provided. Collection method: clinical testing. Allele origin: germline.
Comment: This variant is classified as likely benign based on ACMG/AMP sequence variant interpretation guidelines (Richards et al. 2015 PMID: 25741868, with internal and published modifications).